The following is an entry in ClinVar:

ClinVar aggregate classification (germline): Uncertain significance. Review status: criteria provided, multiple submitters, no conflicts (2 of 4 stars). 2 submissions from 2 submitters: Uncertain significance (2). Last evaluated 2025-06-30.

Allele frequency attached by ClinVar (database versions not stated): TOPMed 0.00013; ESP Exome Variant Server 0.00015; 1000 Genomes Project 30x 0.00016.
gnomAD v4.1: 34 of 1,612,658 alleles (0.0021%); highest among the groups gnomAD compares: African/African-American, 0.043%; no homozygotes.

Submissions (2):

Ambry Genetics
Classification: Uncertain significance. Last evaluated: 2025-06-30. Review status: criteria provided, single submitter. Criteria: Ambry Variant Classification Scheme 2023. Collection method: clinical testing. Allele origin: germline.

Labcorp Genetics (formerly Invitae), Labcorp
Classification: Uncertain significance. Last evaluated: 2022-06-13. Review status: criteria provided, single submitter. Criteria: Invitae Variant Classification Sherloc (09022015). Collection method: clinical testing. Allele origin: germline.
Comment: This sequence change replaces alanine, which is neutral and non-polar, with valine, which is neutral and non-polar, at codon 612 of the SAMD11 protein (p.Ala612Val). This variant is present in population databases (rs138668810, gnomAD 0.06%). This variant has not been reported in the literature in individuals affected with SAMD11-related conditions. ClinVar contains an entry for this variant (Variation ID: 957950). Algorithms developed to predict the effect of missense changes on protein structure and function are either unavailable or do not agree on the potential impact of this missense change (SIFT: "Deleterious"; PolyPhen-2: "Probably Damaging"; Align-GVGD: "Class C0"). Algorithms developed to predict the effect of sequence changes on RNA splicing suggest that this variant may create or strengthen a splice site. In summary, the available evidence is currently insufficient to determine the role of this variant in disease. Therefore, it has been classified as a Variant of Uncertain Significance.

NM_001385641.1(SAMD11):c.2324C>T (p.Ala775Val)

Gene: SAMD11 (sterile alpha motif domain containing 11; plus strand). Cytogenetic location: 1p36.33.
Variant type: single nucleotide variant.
Coding change: c.2324C>T on transcript NM_001385641.1 (MANE Select); coding-DNA position 2324, C replaced by T.
Protein change: p.Ala775Val; replaces alanine 775 with valine.
Molecular consequence: missense variant.
Genome position (GRCh38, 1-based): chr1:943,942, C>T. VCF-style: chr1-943942-C-T. GRCh37 (hg19) VCF-style: chr1-879322-C-T.
Other names: c.2327C>T, p.Ala776Val (NM_001385640.1); c.1835C>T, p.Ala612Val (NM_152486.4); short protein forms A612V, A775V, A776V.
Identifiers: ClinVar variation 957950 (VCV000957950.9), dbSNP rs138668810, ClinGen allele CA503337.
Genomic context (GRCh38, chr1:943,942, plus strand): 5'-GCCCCCACCAGGCCATCTCTCTGCAGGTGGCCAGGCGCCTGGGCCGAGTTTTCTACGTGG[C>T]CAGCTTCCCCGTGGCTCTGCCACTGCAGCCACCAACCCTGCGGGCCCCGGAGCGAGAACT-3'
Protein context (NP_001372570.1, residues 765-785): ARRLGRVFYV[Ala775Val]SFPVALPLQP